The following is an entry in ClinVar:

NM_138959.3(VANGL1):c.*3023G>T

Gene: VANGL1 (VANGL planar cell polarity protein 1; plus strand). Cytogenetic location: 1p13.1.
Variant type: single nucleotide variant.
Coding change: c.*3023G>T on transcript NM_138959.3 (MANE Select); 3023 bases downstream of the stop codon, G replaced by T.
Molecular consequence: 3 prime UTR variant.
Genome position (GRCh38, 1-based): chr1:115,694,402, G>T. VCF-style: chr1-115694402-G-T. GRCh37 (hg19) VCF-style: chr1-116237023-G-T.
Other names: c.*3023G>T (NM_001172411.2, NM_001172412.2).
Identifiers: ClinVar variation 292061 (VCV000292061.6), dbSNP rs10923204, ClinGen allele CA10607421.

ClinVar aggregate classification (germline): Benign. Review status: criteria provided, multiple submitters, no conflicts (2 of 4 stars). 3 submissions from 2 submitters: Benign (3). Last evaluated 2018-01-13.

Conditions:
Sacral defect with anterior meningocele. Identifiers: MedGen C1838568, OMIM 600145.
Neural tube defect (NTD). Also called: Neural tube defects. Identifiers: Orphanet 3388, Orphanet 823, MedGen C0027794, MONDO:0018075, HP:0045005.

Allele frequency attached by ClinVar (database versions not stated): gnomAD 0.24904 and 0.24986; TOPMed 0.25434; 1000 Genomes Project 30x 0.26140; 1000 Genomes Project 0.26438; gnomAD exomes 0.26667.
gnomAD v4.1: 38,135 of 152,062 alleles (25%); highest among the groups gnomAD compares: South Asian, 29%; 4,823 homozygotes.

Submissions (3):

Illumina Laboratory Services, Illumina
Classification: Benign for Neural tube defects, susceptibility to. Last evaluated: 2018-01-13. Review status: criteria provided, single submitter. Criteria: ICSL Variant Classification Criteria 13 December 2019. Collection method: clinical testing. Allele origin: germline.
Comment: This variant was observed in the ICSL laboratory as part of a predisposition screen in an ostensibly healthy population. It had not been previously curated by ICSL or reported in the Human Gene Mutation Database (HGMD: prior to June 1st, 2018), and was therefore a candidate for classification through an automated scoring system. Utilizing variant allele frequency, disease prevalence and penetrance estimates, and inheritance mode, an automated score was calculated to assess if this variant is too frequent to cause the disease. Based on the score and internal cut-off values, a variant classified as benign is not then subjected to further curation. The score for this variant resulted in a classification of benign for this disease.

Illumina Laboratory Services, Illumina
Classification: Benign for Sacral defect with anterior meningocele. Last evaluated: 2018-01-13. Review status: criteria provided, single submitter. Criteria: ICSL Variant Classification Criteria 13 December 2019. Collection method: clinical testing. Allele origin: germline.
Comment: the same text as in the submission from Illumina Laboratory Services, Illumina above.

Breakthrough Genomics
Classification: Benign. Review status: criteria provided, single submitter. Criteria: ACMG Guidelines, 2015. Collection method: not provided. Allele origin: germline. Inheritance: Autosomal dominant inheritance. Affected: yes.